The following is an entry in ClinVar:

ClinVar aggregate classification (germline): Uncertain significance. Review status: criteria provided, multiple submitters, no conflicts (2 of 4 stars). 2 submissions from 2 submitters: Uncertain significance (2). Last evaluated 2025-04-18.

Conditions:
Hereditary cancer-predisposing syndrome. Also called: Neoplastic Syndromes, Hereditary; Tumor predisposition; Hereditary neoplastic syndrome; Hereditary Cancer Syndrome. Identifiers: Orphanet 140162, MedGen C0027672, MeSH D009386, MONDO:0015356.
Familial adenomatous polyposis 1 (FAP1). Also called: POLYPOSIS, ADENOMATOUS INTESTINAL; FAMILIAL ADENOMATOUS POLYPOSIS 1, ATTENUATED. Identifiers: MedGen C2713442, MONDO:0021056, OMIM 175100. Disease mechanism: loss of function.

Allele frequency attached by ClinVar (database versions not stated): TOPMed below 0.00001; gnomAD 0.00001.
gnomAD v4.1: 1 of 1,614,058 alleles (0.000062%); highest among the groups gnomAD compares: African/African-American, 0.0013%; no homozygotes.

Submissions (2):

Ambry Genetics
Classification: Uncertain significance for Hereditary cancer-predisposing syndrome. Last evaluated: 2025-04-18. Review status: criteria provided, single submitter. Criteria: Ambry Variant Classification Scheme 2023. Collection method: clinical testing. Allele origin: germline.
Comment: The p.A1598T variant (also known as c.4792G>A), located in coding exon 15 of the APC gene, results from a G to A substitution at nucleotide position 4792. The alanine at codon 1598 is replaced by threonine, an amino acid with similar properties. This amino acid position is well conserved in available vertebrate species. In addition, in silico predictors for this gene do not accurately predict pathogenicity. Missense alterations in APC are not a common cause of disease (Spier I et al. Genet Med. 2024 Feb;26(2):100992). Based on the available evidence, the clinical significance of this variant remains unclear.

Labcorp Genetics (formerly Invitae), Labcorp
Classification: Uncertain significance for Familial adenomatous polyposis 1. Last evaluated: 2021-01-02. Review status: criteria provided, single submitter. Criteria: Invitae Variant Classification Sherloc (09022015). Collection method: clinical testing. Allele origin: germline.
Comment: This sequence change replaces alanine with threonine at codon 1598 of the APC protein (p.Ala1598Thr). The alanine residue is moderately conserved and there is a small physicochemical difference between alanine and threonine. This variant is not present in population databases (ExAC no frequency). This variant has not been reported in the literature in individuals with APC-related conditions. ClinVar contains an entry for this variant (Variation ID: 825175). Algorithms developed to predict the effect of missense changes on protein structure and function output the following: SIFT: "Tolerated"; PolyPhen-2: "Benign"; Align-GVGD: "Class C0". The threonine amino acid residue is found in multiple mammalian species, suggesting that this missense change does not adversely affect protein function. These predictions have not been confirmed by published functional studies and their clinical significance is uncertain. In summary, the available evidence is currently insufficient to determine the role of this variant in disease. Therefore, it has been classified as a Variant of Uncertain Significance.

NM_000038.6(APC):c.4792G>A (p.Ala1598Thr)

Gene: APC (APC regulator of Wnt signaling pathway; plus strand). Cytogenetic location: 5q22.2.
Variant type: single nucleotide variant.
Coding change: c.4792G>A on transcript NM_000038.6 (MANE Select); coding-DNA position 4792, G replaced by A.
Protein change: p.Ala1598Thr; replaces alanine 1598 with threonine.
Molecular consequence: missense variant.
Genome position (GRCh38, 1-based): chr5:112,840,386, G>A. VCF-style: chr5-112840386-G-A. GRCh37 (hg19) VCF-style: chr5-112176083-G-A.
Other names: c.4717G>A, p.Ala1573Thr (NM_001354898.2); c.4708G>A, p.Ala1570Thr (NM_001354899.2); c.4669G>A, p.Ala1557Thr (NM_001354900.2); c.4615G>A, p.Ala1539Thr (NM_001354901.2); c.4519G>A, p.Ala1507Thr (NM_001354902.2); c.4489G>A, p.Ala1497Thr (NM_001354903.2); c.4414G>A, p.Ala1472Thr (NM_001354904.2); c.4312G>A, p.Ala1438Thr (NM_001354905.2); and 5 more; short protein forms A1497T, A1557T, A1580T, A1438T, A1539T, A1598T, A1315T, A1573T.
Identifiers: ClinVar variation 825175 (VCV000825175.7), dbSNP rs1315936931, ClinGen allele CA16031833.